The following is an entry in ClinVar:

ClinVar aggregate classification (germline): Uncertain significance (1 of 4 stars; one submission).

Conditions:
Early-infantile DEE. Also called: Early infantile epileptic encephalopathy; Early infantile epileptic encephalopathy with suppression bursts; Ohtahara syndrome. Identifiers: Orphanet 1934, MedGen C0393706, MONDO:0800491.

Submission:

Labcorp Genetics (formerly Invitae), Labcorp
Classification: Uncertain significance for Early-infantile DEE. Last evaluated: 2022-12-18. Review status: criteria provided, single submitter. Criteria: Invitae Variant Classification Sherloc (09022015). Collection method: clinical testing. Allele origin: germline.
Comment: Advanced modeling of protein sequence and biophysical properties (such as structural, functional, and spatial information, amino acid conservation, physicochemical variation, residue mobility, and thermodynamic stability) has been performed at Invitae for this missense variant, however the output from this modeling did not meet the statistical confidence thresholds required to predict the impact of this variant on SPTAN1 protein function. In summary, the available evidence is currently insufficient to determine the role of this variant in disease. Therefore, it has been classified as a Variant of Uncertain Significance. This variant has not been reported in the literature in individuals affected with SPTAN1-related conditions. This variant is not present in population databases (gnomAD no frequency). This sequence change replaces aspartic acid, which is acidic and polar, with glycine, which is neutral and non-polar, at codon 1509 of the SPTAN1 protein (p.Asp1509Gly).

NM_001130438.3(SPTAN1):c.4526A>G (p.Asp1509Gly)

Gene: SPTAN1 (spectrin alpha, non-erythrocytic 1; plus strand). Cytogenetic location: 9q34.11.
Variant type: single nucleotide variant.
Coding change: c.4526A>G on transcript NM_001130438.3 (MANE Select); coding-DNA position 4526, A replaced by G.
Protein change: p.Asp1509Gly; replaces aspartic acid 1509 with glycine.
Molecular consequence: missense variant.
Genome position (GRCh38, 1-based): chr9:128,608,908, A>G. VCF-style: chr9-128608908-A-G. GRCh37 (hg19) VCF-style: chr9-131371187-A-G.
Other names: c.4466A>G, p.Asp1489Gly (NM_001195532.2, NM_001363765.2, NM_001375314.2); c.4526A>G, p.Asp1509Gly (NM_001363759.2, NM_001375310.1, NM_001375311.2 and 2 more transcripts); c.4562A>G, p.Asp1521Gly (NM_001375312.2, NM_001375318.1); short protein forms D1509G, D1489G, D1521G.
Identifiers: ClinVar variation 2820006 (VCV002820006.3), dbSNP rs2541773549, ClinGen allele CA375068291.